The following is an entry in ClinVar:

NM_014780.5(CUL7):c.2497G>A (p.Val833Met)

Gene: CUL7 (cullin 7; minus strand). Cytogenetic location: 6p21.1.
Variant type: single nucleotide variant.
Coding change: c.2497G>A on transcript NM_014780.5 (MANE Select); coding-DNA position 2497, G replaced by A.
Protein change: p.Val833Met; replaces valine 833 with methionine.
Molecular consequence: missense variant.
Genome position (GRCh38, 1-based): chr6:43,046,399, C>T on the plus strand (G>A on the coding strand, the complement: CUL7 is on the minus strand). VCF-style: chr6-43046399-C-T. GRCh37 (hg19) VCF-style: chr6-43014137-C-T.
Other names: c.2593G>A, p.Val865Met (NM_001168370.2, NM_001374872.1); c.2497G>A, p.Val833Met (NM_001374873.1, NM_001374874.1); short protein forms V833M, V865M.
Identifiers: ClinVar variation 1044148 (VCV001044148.9), dbSNP rs539938417, ClinGen allele CA3813811.
Genomic context (GRCh38, chr6:43,046,399, plus strand): 5'-CCCGGTGCGGGTTGGAGGACACCTCCACCTTCTCCCAGCACTTGTCCTCCTTCACTTCCA[C>T]ACTGGAGCCTGGGGGCAAGTGGGAAGGGGTGGTGGTCACGGTCAGGTAGGGTGTAGAGGG-3'
Protein context (NP_055595.2, residues 823-843): FLRYLCQGSS[Val833Met]EVKEDKCWEK

ClinVar aggregate classification (germline): Uncertain significance (1 of 4 stars; one submission).

Allele frequency attached by ClinVar (database versions not stated): gnomAD exomes below 0.00001; ExAC 0.00001; gnomAD 0.00001; TOPMed 0.00001; 1000 Genomes Project 30x 0.00016; 1000 Genomes Project 0.00020.

Submission:

Labcorp Genetics (formerly Invitae), Labcorp
Classification: Uncertain significance. Last evaluated: 2022-06-27. Review status: criteria provided, single submitter. Criteria: Invitae Variant Classification Sherloc (09022015). Collection method: clinical testing. Allele origin: germline.
Comment: In summary, the available evidence is currently insufficient to determine the role of this variant in disease. Therefore, it has been classified as a Variant of Uncertain Significance. Algorithms developed to predict the effect of missense changes on protein structure and function output the following: SIFT: "Tolerated"; PolyPhen-2: "Benign"; Align-GVGD: "Class C0". The methionine amino acid residue is found in multiple mammalian species, which suggests that this missense change does not adversely affect protein function. ClinVar contains an entry for this variant (Variation ID: 1044148). This variant has not been reported in the literature in individuals affected with CUL7-related conditions. This variant is present in population databases (rs539938417, gnomAD 0.007%). This sequence change replaces valine, which is neutral and non-polar, with methionine, which is neutral and non-polar, at codon 833 of the CUL7 protein (p.Val833Met).